The following is an entry in ClinVar:

NM_006623.4(PHGDH):c.455G>A (p.Gly152Asp)

Gene: PHGDH (phosphoglycerate dehydrogenase; plus strand). Cytogenetic location: 1p12.
Variant type: single nucleotide variant.
Coding change: c.455G>A on transcript NM_006623.4 (MANE Select); coding-DNA position 455, G replaced by A.
Protein change: p.Gly152Asp; replaces glycine 152 with aspartic acid.
Molecular consequence: missense variant.
Genome position (GRCh38, 1-based): chr1:119,727,047, G>A. VCF-style: chr1-119727047-G-A. GRCh37 (hg19) VCF-style: chr1-120269670-G-A.
Other names: short protein forms G152D.
Identifiers: ClinVar variation 5006905 (VCV005006905.2).

ClinVar aggregate classification (germline): Uncertain significance (1 of 4 stars; one submission).

Conditions:
Neu-Laxova syndrome 1 (NLS1). Identifiers: Orphanet 2671, Orphanet 583607, MedGen C4551478, MONDO:0009736, OMIM 256520. Disease mechanism: loss of function.
PHGDH deficiency. Identifiers: Orphanet 79351, MedGen C1866174, MONDO:0011152, OMIM 601815.

Submission:

Juno Genomics, Hangzhou Juno Genomics, Inc
Classification: Uncertain significance for Neu-Laxova syndrome 1; PHGDH deficiency. Review status: criteria provided, single submitter. Criteria: ACMG Guidelines, 2015. Collection method: clinical testing. Allele origin: germline.
Comment: Absent from controls (or at extremely low frequency if recessive) in Genome Aggregation Database.;Multiple lines of computational evidence support a deleterious effect on the gene or gene product.